The following is an entry in ClinVar:

NM_000531.6(OTC):c.749dup (p.Leu251fs)

Gene: OTC (ornithine transcarbamylase; plus strand). Cytogenetic location: Xp11.4.
Variant type: Duplication.
Coding change: c.749dup on transcript NM_000531.6 (MANE Select); coding-DNA position 749, one base duplicated (C; older notation c.749dupC).
Protein change: p.Leu251fs; shifts the reading frame from leucine 251.
Molecular consequence: frameshift variant.
Genome position (GRCh38, 1-based): chrX:38,408,907, C duplicated; the last of 2 consecutive C bases (chrX:38,408,906-38,408,907); duplicating either gives the same sequence. VCF-style (leftmost placement, unchanged base first): chrX-38408905-T-TC. GRCh37 (hg19) VCF-style: chrX-38268158-T-TC.
Other names: short protein forms L251fs.
Identifiers: ClinVar variation 966002 (VCV000966002.10), dbSNP rs2068529327, ClinGen allele CA1139667391.

ClinVar aggregate classification (germline): Pathogenic (1 of 4 stars; one submission).

Conditions:
Ornithine carbamoyltransferase deficiency (OTCD). Also called: Ornithine Carbamoyltransferase Deficiency Disease; OTC DEFICIENCY; ORNITHINE TRANSCARBAMYLASE DEFICIENCY; ORNITHINE TRANSCARBAMYLASE DEFICIENCY, HYPERAMMONEMIA DUE TO. Identifiers: Orphanet 664, MedGen C0268542, MONDO:0010703, OMIM 311250.

Submission:

Labcorp Genetics (formerly Invitae), Labcorp
Classification: Pathogenic for Ornithine carbamoyltransferase deficiency. Last evaluated: 2019-10-28. Review status: criteria provided, single submitter. Criteria: Invitae Variant Classification Sherloc (09022015). Collection method: clinical testing. Allele origin: germline.
Comment: This variant is not present in population databases (ExAC no frequency). For these reasons, this variant has been classified as Pathogenic. Loss-of-function variants in OTC are known to be pathogenic (PMID: 10946359, 16786505). This sequence change creates a premature translational stop signal (p.Leu251Ilefs*42) in the OTC gene. It is expected to result in an absent or disrupted protein product.

Literature cited by the submitters: PubMed 10946359; PubMed 16786505.